The following is an entry in ClinVar:

ClinVar aggregate classification (germline): Uncertain significance (1 of 4 stars; one submission).

Submission:

Labcorp Genetics (formerly Invitae), Labcorp
Classification: Uncertain significance. Last evaluated: 2021-05-08. Review status: criteria provided, single submitter. Criteria: Invitae Variant Classification Sherloc (09022015). Collection method: clinical testing. Allele origin: germline.
Comment: This sequence change replaces arginine with tryptophan at codon 387 of the SZT2 protein (p.Arg387Trp). The arginine residue is weakly conserved and there is a moderate physicochemical difference between arginine and tryptophan. This variant is not present in population databases (ExAC no frequency). This variant has not been reported in the literature in individuals with SZT2-related conditions. Algorithms developed to predict the effect of missense changes on protein structure and function are either unavailable or do not agree on the potential impact of this missense change (SIFT: "Deleterious"; PolyPhen-2: "Probably Damaging"; Align-GVGD: "Class C0"). In summary, the available evidence is currently insufficient to determine the role of this variant in disease. Therefore, it has been classified as a Variant of Uncertain Significance.

NM_001365999.1(SZT2):c.1159C>T (p.Arg387Trp)

Gene: SZT2 (SZT2 subunit of KICSTOR complex; plus strand). Cytogenetic location: 1p34.2.
Variant type: single nucleotide variant.
Coding change: c.1159C>T on transcript NM_001365999.1 (MANE Select); coding-DNA position 1159, C replaced by T.
Protein change: p.Arg387Trp; replaces arginine 387 with tryptophan.
Molecular consequence: missense variant.
Genome position (GRCh38, 1-based): chr1:43,420,221, C>T. VCF-style: chr1-43420221-C-T. GRCh37 (hg19) VCF-style: chr1-43885892-C-T.
Other names: c.1159C>T, p.Arg387Trp (NM_015284.4); short protein forms R387W.
Identifiers: ClinVar variation 1441171 (VCV001441171.8), dbSNP rs2153932146, ClinGen allele CA340006683.